The following is an entry in ClinVar:

NM_052874.5(STX1B):c.39del (p.Asp13fs)

Gene: STX1B (syntaxin 1B; minus strand). Cytogenetic location: 16p11.2.
Variant type: Deletion.
Coding change: c.39del on transcript NM_052874.5 (MANE Select); coding-DNA position 39, one base deleted (C; older notation c.39delC).
Protein change: p.Asp13fs; shifts the reading frame from aspartic acid 13.
Molecular consequence: frameshift variant.
Genome position (GRCh38, 1-based): chr16:31,001,595, G deleted on the plus strand (C on the coding strand, the reverse complement: STX1B is on the minus strand). VCF-style (leftmost placement, unchanged base first): chr16-31001594-TG-T. GRCh37 (hg19) VCF-style: chr16-31012915-TG-T.
Other names: short protein forms D13fs.
Identifiers: ClinVar variation 2813188 (VCV002813188.3), dbSNP rs2543968134, ClinGen allele CA2739266730.
Genomic context (GRCh38, chr16:31,001,594, plus strand): 5'-CAAAGAACTCATCCATGAAGTGGTCCCGATCCACGTGGACCACCTCCTCTTCATCATCAC[TG>T]TCTTTCGCCTGGGGACAAGGAAGGCTGAGTCCATGAGCAGGCCCTACCTGGGTCCCCAAG-3'

ClinVar aggregate classification (germline): Pathogenic (1 of 4 stars; one submission).

Conditions:
Generalized epilepsy with febrile seizures plus, type 9 (GEFSP9). Also called: GEFS+, TYPE 9. Identifiers: Orphanet 36387, MedGen C4015395, MONDO:0014517, OMIM 616172.

Submission:

Labcorp Genetics (formerly Invitae), Labcorp
Classification: Pathogenic for Generalized epilepsy with febrile seizures plus, type 9. Last evaluated: 2022-11-09. Review status: criteria provided, single submitter. Criteria: Invitae Variant Classification Sherloc (09022015). Collection method: clinical testing. Allele origin: germline.
Comment: For these reasons, this variant has been classified as Pathogenic. This variant has not been reported in the literature in individuals affected with STX1B-related conditions. This variant is not present in population databases (gnomAD no frequency). This sequence change creates a premature translational stop signal (p.Asp13Glufs*41) in the STX1B gene. It is expected to result in an absent or disrupted protein product. Loss-of-function variants in STX1B are known to be pathogenic (PMID: 25362483).

Literature cited by the submitters: PubMed 25362483.